The following is an entry in ClinVar:

ClinVar aggregate classification (germline): Uncertain significance (1 of 4 stars; one submission).

Conditions:
Osteogenesis imperfecta type I (OI1). Also called: Lobstein disease; Classic Non-deforming Osteogenesis Imperfecta with Blue Sclerae; OI, TYPE I; OSTEOGENESIS IMPERFECTA TARDA; OSTEOGENESIS IMPERFECTA WITH BLUE SCLERAE; Osteogenesis imperfecta type 1. Identifiers: Orphanet 216796, Orphanet 666, MedGen C0023931, MONDO:0008146, OMIM 166200. Disease mechanism: loss of function.

Allele frequency attached by ClinVar (database versions not stated): ExAC 0.00001; gnomAD exomes 0.00001.
gnomAD v4.1: 1 of 1,614,034 alleles (0.000062%); highest among the groups gnomAD compares: Non-Finnish European, 0.000085%; no homozygotes.

Submission:

Labcorp Genetics (formerly Invitae), Labcorp
Classification: Uncertain significance for Osteogenesis imperfecta type I. Last evaluated: 2020-12-13. Review status: criteria provided, single submitter. Criteria: Invitae Variant Classification Sherloc (09022015). Collection method: clinical testing. Allele origin: germline.
Comment: This sequence change replaces isoleucine with phenylalanine at codon 1398 of the COL1A1 protein (p.Ile1398Phe). The isoleucine residue is moderately conserved and there is a small physicochemical difference between isoleucine and phenylalanine. In summary, the available evidence is currently insufficient to determine the role of this variant in disease. Therefore, it has been classified as a Variant of Uncertain Significance. Advanced modeling of protein sequence and biophysical properties (such as structural, functional, and spatial information, amino acid conservation, physicochemical variation, residue mobility, and thermodynamic stability) performed at Invitae indicates that this missense variant is not expected to disrupt COL1A1 protein function. This variant has not been reported in the literature in individuals with COL1A1-related conditions. This variant is present in population databases (rs754481870, ExAC 0.002%).

NM_000088.4(COL1A1):c.4192A>T (p.Ile1398Phe)

Gene: COL1A1 (collagen type I alpha 1 chain; minus strand). Cytogenetic location: 17q21.33.
Variant type: single nucleotide variant.
Coding change: c.4192A>T on transcript NM_000088.4 (MANE Select); coding-DNA position 4192, A replaced by T.
Protein change: p.Ile1398Phe; replaces isoleucine 1398 with phenylalanine.
Molecular consequence: missense variant.
Genome position (GRCh38, 1-based): chr17:50,185,834, T>A on the plus strand (A>T on the coding strand, the complement: COL1A1 is on the minus strand). VCF-style: chr17-50185834-T-A. GRCh37 (hg19) VCF-style: chr17-48263195-T-A.
Other names: short protein forms I1398F.
Identifiers: ClinVar variation 1399083 (VCV001399083.8), dbSNP rs754481870, ClinGen allele CA8644237.